The following is an entry in ClinVar:

NM_000780.4(CYP7A1):c.347del (p.Pro116fs)

Gene: CYP7A1 (cytochrome P450 family 7 subfamily A member 1; minus strand). Cytogenetic location: 8q12.1.
Variant type: Deletion.
Coding change: c.347del on transcript NM_000780.4 (MANE Select); coding-DNA position 347, one base deleted (C; older notation c.347delC).
Protein change: p.Pro116fs; shifts the reading frame from proline 116.
Molecular consequence: frameshift variant.
Genome position (GRCh38, 1-based): chr8:58,497,165, G deleted on the plus strand (C on the coding strand, the reverse complement: CYP7A1 is on the minus strand); the first of 3 consecutive G bases (chr8:58,497,165-58,497,167); deleting any one gives the same sequence. VCF-style (leftmost placement, unchanged base first): chr8-58497164-CG-C. GRCh37 (hg19) VCF-style: chr8-59409723-CG-C.
Other names: short protein forms P116fs.
Identifiers: ClinVar variation 3612604 (VCV003612604.2).

ClinVar aggregate classification (germline): Uncertain significance (1 of 4 stars; one submission).

Submission:

Labcorp Genetics (formerly Invitae), Labcorp
Classification: Uncertain significance. Last evaluated: 2025-09-13. Review status: criteria provided, single submitter. Criteria: Invitae Variant Classification Sherloc (09022015). Collection method: clinical testing. Allele origin: germline.
Comment: This sequence change creates a premature translational stop signal (p.Pro116Argfs*10) in the CYP7A1 gene. It is expected to result in an absent or disrupted protein product. However, the current clinical and genetic evidence is not sufficient to establish whether loss-of-function variants in CYP7A1 cause disease. This variant is not present in population databases (gnomAD no frequency). This variant has not been reported in the literature in individuals affected with CYP7A1-related conditions. ClinVar contains an entry for this variant (Variation ID: 3612604). Experimental studies and prediction algorithms are not available or were not evaluated, and the functional significance of this variant is currently unknown. In summary, the available evidence is currently insufficient to determine the role of this variant in disease. Therefore, it has been classified as a Variant of Uncertain Significance.